The following is an entry in ClinVar:

ClinVar aggregate classification (germline): Uncertain significance (1 of 4 stars; one submission).

Conditions:
PIEZO2-related disorder. Also called: PIEZO2-related condition; PIEZO2-related disorders.

Submission:

PreventionGenetics, part of Exact Sciences
Classification: Uncertain significance for PIEZO2-related condition. Last evaluated: 2023-08-30. Review status: criteria provided, single submitter. Criteria: ACMG Guidelines, 2015. Collection method: clinical testing. Allele origin: germline.
Comment: The PIEZO2 c.4019A>T variant is predicted to result in the amino acid substitution p.Lys1340Met. To our knowledge, this variant has not been reported in the literature or in a large population database, indicating this variant is rare. At this time, the clinical significance of this variant is uncertain due to the absence of conclusive functional and genetic evidence.

NM_001378183.1(PIEZO2):c.4094A>T (p.Lys1365Met)

Gene: PIEZO2 (piezo type mechanosensitive ion channel component 2; minus strand). Cytogenetic location: 18p11.22.
Variant type: single nucleotide variant.
Coding change: c.4094A>T on transcript NM_001378183.1 (MANE Select); coding-DNA position 4094, A replaced by T.
Protein change: p.Lys1365Met; replaces lysine 1365 with methionine.
Molecular consequence: missense variant.
Genome position (GRCh38, 1-based): chr18:10,752,709, T>A on the plus strand (A>T on the coding strand, the complement: PIEZO2 is on the minus strand). VCF-style: chr18-10752709-T-A. GRCh37 (hg19) VCF-style: chr18-10752707-T-A.
Other names: c.4094A>T, p.Lys1365Met (NM_001410871.1); c.4019A>T, p.Lys1340Met (NM_022068.4); short protein forms K1340M, K1365M.
Identifiers: ClinVar variation 2632464 (VCV002632464.1), dbSNP rs2510609443, ClinGen allele CA401919763.